The following is an entry in ClinVar:

ClinVar aggregate classification (germline): Uncertain significance (1 of 4 stars; one submission).

Conditions:
Epidermolysis bullosa simplex 3, localized or generalized intermediate, with BP230 deficiency (EBS3). Also called: Epidermolysis bullosa simplex, autosomal recessive 2; Epidermolysis bullosa simplex due to BP230 deficiency. Identifiers: Orphanet 412181, MedGen C3809470, MONDO:0014180, OMIM 615425.
Hereditary sensory and autonomic neuropathy type 6. Also called: Neuropathy, hereditary sensory and autonomic, type VI; HSAN VI. Identifiers: Orphanet 314381, MedGen C3539003, MONDO:0013839, OMIM 614653.

Allele frequency attached by ClinVar (database versions not stated): gnomAD exomes below 0.00001; TOPMed below 0.00001; gnomAD 0.00001.
gnomAD v4.1: 3 of 1,613,880 alleles (0.00019%); highest among the groups gnomAD compares: Non-Finnish European, 0.00025%; no homozygotes.

Submission:

Labcorp Genetics (formerly Invitae), Labcorp
Classification: Uncertain significance for Epidermolysis bullosa simplex 3, localized or generalized intermediate, with BP230 deficiency; Hereditary sensory and autonomic neuropathy type 6. Last evaluated: 2019-07-19. Review status: criteria provided, single submitter. Criteria: Invitae Variant Classification Sherloc (09022015). Collection method: clinical testing. Allele origin: germline.
Comment: In summary, the available evidence is currently insufficient to determine the role of this variant in disease. Therefore, it has been classified as a Variant of Uncertain Significance. Algorithms developed to predict the effect of missense changes on protein structure and function output the following: SIFT: "Tolerated"; PolyPhen-2: "Not Available"; Align-GVGD: "Class C0". The serine amino acid residue is found in multiple mammalian species, suggesting that this missense change does not adversely affect protein function. These predictions have not been confirmed by published functional studies and their clinical significance is uncertain. This variant has not been reported in the literature in individuals with DST-related conditions. This variant is not present in population databases (ExAC no frequency). This sequence change replaces asparagine with serine at codon 2361 of the DST protein (p.Asn2361Ser). The asparagine residue is moderately conserved and there is a small physicochemical difference between asparagine and serine. The DST gene has multiple clinically relevant transcripts. The p.Asn2361Ser variant occurs in alternate transcript NM_015548.4, which corresponds to c.*59987A>G in NM_001723.5, the primary transcript listed in the Methods.

NM_001374736.1(DST):c.14951A>G (p.Asn4984Ser)

Gene: DST (dystonin; minus strand). Cytogenetic location: 6p12.1.
Variant type: single nucleotide variant.
Coding change: c.14951A>G on transcript NM_001374736.1 (MANE Select); coding-DNA position 14951, A replaced by G.
Protein change: p.Asn4984Ser; replaces asparagine 4984 with serine.
Molecular consequence: missense variant.
Genome position (GRCh38, 1-based): chr6:56,555,530, T>C on the plus strand (A>G on the coding strand, the complement: DST is on the minus strand). VCF-style: chr6-56555530-T-C. GRCh37 (hg19) VCF-style: chr6-56420328-T-C.
Other names: c.8594A>G, p.Asn2865Ser (NM_001144769.5); c.8180A>G, p.Asn2727Ser (NM_001144770.2); c.14951A>G, p.Asn4984Ser (NM_001374722.1); c.14318A>G, p.Asn4773Ser (NM_001374729.1); c.8060A>G, p.Asn2687Ser (NM_001374730.1, NM_183380.4); c.14978A>G, p.Asn4993Ser (NM_001374734.1); c.7082A>G, p.Asn2361Ser (NM_015548.5); short protein forms N4993S, N2727S, N4984S, N2687S, N4773S, N2361S, N2865S.
Identifiers: ClinVar variation 971043 (VCV000971043.8), dbSNP rs751619980, ClinGen allele CA139207429.